The following is an entry in ClinVar:

NM_001457.4(FLNB):c.7737C>T (p.Gly2579=)

Gene: FLNB (filamin B; plus strand). Cytogenetic location: 3p14.3.
Variant type: single nucleotide variant.
Coding change: c.7737C>T on transcript NM_001457.4 (MANE Select); coding-DNA position 7737, C replaced by T.
Protein change: p.Gly2579=; no amino-acid change (glycine 2579 retained).
Molecular consequence: synonymous variant.
Genome position (GRCh38, 1-based): chr3:58,170,690, C>T. VCF-style: chr3-58170690-C-T. GRCh37 (hg19) VCF-style: chr3-58156417-C-T.
Other names: c.7830C>T, p.Gly2610= (NM_001164317.2); c.7704C>T, p.Gly2568= (NM_001164318.2); c.7665C>T, p.Gly2555= (NM_001164319.2).
Identifiers: ClinVar variation 2182416 (VCV002182416.11), dbSNP rs543564224, ClinGen allele CA2469780.

ClinVar aggregate classification (germline): Likely benign. Review status: criteria provided, multiple submitters, no conflicts (2 of 4 stars). 2 submissions from 2 submitters: Likely benign (2). Last evaluated 2025-12-21.

Allele frequency attached by ClinVar (database versions not stated): ExAC 0.00005.
gnomAD v4.1: 61 of 1,614,014 alleles (0.0038%); highest among the groups gnomAD compares: South Asian, 0.041%; no homozygotes.

Submissions (2):

Labcorp Genetics (formerly Invitae), Labcorp
Classification: Likely benign. Last evaluated: 2025-12-21. Review status: criteria provided, single submitter. Criteria: Invitae Variant Classification Sherloc (09022015). Collection method: clinical testing. Allele origin: germline.

CeGaT Center for Human Genetics Tuebingen
Classification: Likely benign. Last evaluated: 2025-04-01. Review status: criteria provided, single submitter. Criteria: CeGaT Center For Human Genetics Tuebingen Variant Classification Criteria Version 2. Collection method: clinical testing. Allele origin: germline. Affected: yes. Observed: 1 variant allele.
Comment: FLNB: BP4, BP7